The following is an entry in ClinVar:

NM_000059.4(BRCA2):c.4264G>T (p.Glu1422Ter)

Gene: BRCA2 (BRCA2 DNA repair associated; plus strand). Cytogenetic location: 13q13.1.
Variant type: single nucleotide variant.
Coding change: c.4264G>T on transcript NM_000059.4 (MANE Select); coding-DNA position 4264, G replaced by T.
Protein change: p.Glu1422Ter; replaces glutamic acid 1422 with a stop codon.
Molecular consequence: nonsense.
Genome position (GRCh38, 1-based): chr13:32,338,619, G>T. VCF-style: chr13-32338619-G-T. GRCh37 (hg19) VCF-style: chr13-32912756-G-T.
Other names: c.4264G>T, p.Glu1422Ter (NM_001406719.1, NM_001406720.1); short protein forms E1422*.
Identifiers: ClinVar variation 1739195 (VCV001739195.2), dbSNP rs2137504588, ClinGen allele CA387780515.

ClinVar aggregate classification (germline): Pathogenic (1 of 4 stars; one submission).

Conditions:
Hereditary cancer-predisposing syndrome. Also called: Hereditary Cancer Syndrome; Hereditary neoplastic syndrome; Neoplastic Syndromes, Hereditary; Tumor predisposition. Identifiers: Orphanet 140162, MedGen C0027672, MeSH D009386, MONDO:0015356.

Submission:

Ambry Genetics
Classification: Pathogenic for Hereditary cancer-predisposing syndrome. Last evaluated: 2022-08-30. Review status: criteria provided, single submitter. Criteria: Ambry Variant Classification Scheme 2023. Collection method: clinical testing. Allele origin: germline.
Comment: The p.E1422* pathogenic mutation (also known as c.4264G>T), located in coding exon 10 of the BRCA2 gene, results from a G to T substitution at nucleotide position 4264. This changes the amino acid from a glutamic acid to a stop codon within coding exon 10. This variant is considered to be rare based on population cohorts in the Genome Aggregation Database (gnomAD). This alteration is expected to result in loss of function by premature protein truncation or nonsense-mediated mRNA decay. As such, this alteration is interpreted as a disease-causing mutation.